The following is an entry in ClinVar:

NM_021008.4(DEAF1):c.1504-3C>G

Gene: DEAF1 (DEAF1 transcription factor; minus strand). Cytogenetic location: 11p15.5.
Variant type: single nucleotide variant.
Coding change: c.1504-3C>G on transcript NM_021008.4 (MANE Select); 3 bases into the intron before coding-DNA position 1504, C replaced by G.
Molecular consequence: intron variant.
Genome position (GRCh38, 1-based): chr11:654,054, G>C on the plus strand (C>G on the coding strand, the complement: DEAF1 is on the minus strand). VCF-style: chr11-654054-G-C. GRCh37 (hg19) VCF-style: chr11-654054-G-C.
Other names: c.778-3C>G (NM_001367390.1, NM_001440885.1, NM_001440887.1 and 1 more transcripts); c.1279-3C>G (NM_001293634.2); c.1375-3C>G (NM_001440884.1); c.1504-9400C>G (NM_001440883.1).
Identifiers: ClinVar variation 3722762 (VCV003722762.3).

ClinVar aggregate classification (germline): Uncertain significance (1 of 4 stars; one submission).

gnomAD v4.1: 3 of 1,612,676 alleles (0.00019%); highest among the groups gnomAD compares: Non-Finnish European, 0.00025%; no homozygotes.

Submissions (2):

Labcorp Genetics (formerly Invitae), Labcorp
Classification: Uncertain significance. Last evaluated: 2024-10-12. Review status: criteria provided, single submitter. Criteria: Invitae Variant Classification Sherloc (09022015). Collection method: clinical testing. Allele origin: germline.
Comment: This sequence change falls in intron 10 of the DEAF1 gene. It does not directly change the encoded amino acid sequence of the DEAF1 protein. It affects a nucleotide within the consensus splice site. This variant is not present in population databases (gnomAD no frequency). This variant has not been reported in the literature in individuals affected with DEAF1-related conditions. Variants that disrupt the consensus splice site are a relatively common cause of aberrant splicing (PMID: 17576681, 9536098). Algorithms developed to predict the effect of sequence changes on RNA splicing suggest that this variant may disrupt the consensus splice site. In summary, the available evidence is currently insufficient to determine the role of this variant in disease. Therefore, it has been classified as a Variant of Uncertain Significance.

Dr. Peter K. Rogan Lab, Western University
No classification provided (evidence only). Condition: Ovarian serous cystadenocarcinoma. Review status: no classification provided. Collection method: in vitro. Allele origin: not applicable. Functional consequence: retained intron. Not counted in ClinVar's aggregate classification.

Literature cited by the submitters: PubMed 17576681 (cited by Labcorp Genetics (formerly Invitae), Labcorp); PubMed 9536098 (cited by Labcorp Genetics (formerly Invitae), Labcorp).